The following is an entry in ClinVar:

NM_001110556.2(FLNA):c.5276C>T (p.Pro1759Leu)

Gene: FLNA (filamin A; minus strand). Cytogenetic location: Xq28.
Variant type: single nucleotide variant.
Coding change: c.5276C>T on transcript NM_001110556.2 (MANE Select); coding-DNA position 5276, C replaced by T.
Protein change: p.Pro1759Leu; replaces proline 1759 with leucine.
Molecular consequence: missense variant.
Genome position (GRCh38, 1-based): chrX:154,354,653, G>A on the plus strand (C>T on the coding strand, the complement: FLNA is on the minus strand). VCF-style: chrX-154354653-G-A. GRCh37 (hg19) VCF-style: chrX-153583021-G-A.
Other names: c.5252C>T, p.Pro1751Leu (NM_001456.4); short protein forms P1751L, P1759L.
Identifiers: ClinVar variation 3753979 (VCV003753979.2).

ClinVar aggregate classification (germline): Uncertain significance (1 of 4 stars; one submission).

Conditions:
Melnick-Needles syndrome (MNS). Also called: MELNICK-NEEDLES OSTEODYSPLASTY; OSTEODYSPLASTY OF MELNICK AND NEEDLES; Melnick-Needles Syndrome (FLNA-MNS). Identifiers: Orphanet 2484, MedGen C0025237, MONDO:0010650, OMIM 309350.
Frontometaphyseal dysplasia (FMD1). Identifiers: Orphanet 1826, MedGen C0265293, MONDO:0015942.
Heterotopia, periventricular, X-linked dominant (PVNH1). Also called: PERIVENTRICULAR NODULAR HETEROTOPIA 1; X-linked periventricular heterotopia; PERIVENTRICULAR NODULAR HETEROTOPIA 4; HETEROTOPIA, PERIVENTRICULAR, 1. Identifiers: Orphanet 2149, Orphanet 82004, MedGen C1848213, MONDO:0010233, OMIM 300049.
Oto-palato-digital syndrome, type II (OPD2). Also called: FACIOPALATOOSSEOUS SYNDROME; OPD II SYNDROME; Otopalatodigital Syndrome, Type II; Otopalatodigital Syndrome Type 2 (FLNA-OPD2). Identifiers: Orphanet 669, Orphanet 90652, MedGen C1844696, MONDO:0010571, OMIM 304120.

Submission:

Labcorp Genetics (formerly Invitae), Labcorp
Classification: Uncertain significance for Oto-palato-digital syndrome, type II; Heterotopia, periventricular, X-linked dominant; Frontometaphyseal dysplasia; Melnick-Needles syndrome. Last evaluated: 2024-12-07. Review status: criteria provided, single submitter. Criteria: Invitae Variant Classification Sherloc (09022015). Collection method: clinical testing. Allele origin: germline.
Comment: This sequence change replaces proline, which is neutral and non-polar, with leucine, which is neutral and non-polar, at codon 1751 of the FLNA protein (p.Pro1751Leu). This variant is not present in population databases (gnomAD no frequency). This variant has not been reported in the literature in individuals affected with FLNA-related conditions. Invitae Evidence Modeling of protein sequence and biophysical properties (such as structural, functional, and spatial information, amino acid conservation, physicochemical variation, residue mobility, and thermodynamic stability) indicates that this missense variant is not expected to disrupt FLNA protein function with a negative predictive value of 95%. In summary, the available evidence is currently insufficient to determine the role of this variant in disease. Therefore, it has been classified as a Variant of Uncertain Significance.